The following is an entry in ClinVar:

ClinVar aggregate classification (germline): Uncertain significance (1 of 4 stars; one submission).

Conditions:
Oligodontia-cancer predisposition syndrome. Also called: TOOTH AGENESIS-COLORECTAL CANCER SYNDROME. Identifiers: Orphanet 300576, MedGen C1837750, MONDO:0012075, OMIM 608615. Disease mechanism: loss of function.

Submission:

Labcorp Genetics (formerly Invitae), Labcorp
Classification: Uncertain significance for Oligodontia-cancer predisposition syndrome. Last evaluated: 2021-02-02. Review status: criteria provided, single submitter. Criteria: Invitae Variant Classification Sherloc (09022015). Collection method: clinical testing. Allele origin: germline.
Comment: In summary, the available evidence is currently insufficient to determine the role of this variant in disease. Therefore, it has been classified as a Variant of Uncertain Significance. This variant has not been reported in the literature in individuals with AXIN2-related conditions. This variant is not present in population databases (ExAC no frequency). This variant, c.212_223del, results in the deletion of 4 amino acid(s) of the AXIN2 protein (p.Pro71_Pro74del), but otherwise preserves the integrity of the reading frame.

NM_004655.4(AXIN2):c.212_223del (p.Pro71_Pro74del)

Gene: AXIN2 (axin 2; minus strand). Cytogenetic location: 17q24.1.
Variant type: Deletion.
Coding change: c.212_223del on transcript NM_004655.4 (MANE Select); coding-DNA positions 212 to 223, 12 bases deleted (CGGATTCCCCTC).
Protein change: p.Pro71_Pro74del.
Molecular consequence: inframe deletion.
Genome position (GRCh38, 1-based): chr17:65,558,398-65,558,409, GAGGGGAATCCG deleted on the plus strand (CGGATTCCCCTC on the coding strand, the reverse complement: AXIN2 is on the minus strand); deleting any 12 consecutive bases within chr17:65,558,398-65,558,412 gives the same sequence; the c. name uses the placement nearest the transcript's 3' end. VCF-style (leftmost placement, unchanged base first): chr17-65558397-AGAGGGGAATCCG-A. GRCh37 (hg19) VCF-style: chr17-63554515-AGAGGGGAATCCG-A.
Other names: c.212_223del, p.Pro71_Pro74del (NM_001363813.1).
Identifiers: ClinVar variation 1506777 (VCV001506777.8), dbSNP rs2144589543, ClinGen allele CA2573154870.
Genomic context (GRCh38, chr17:65,558,397, plus strand): 5'-AACAGGTAAGCACCGTCTTGATCGCCCAATAAGGAGTGTAAGGACTTGGTCCACCGGGTC[AGAGGGGAATCCG>A]GAGATGCCCGCCCCTCCGGCTCCCCCAACCCATCTTCGTTCCGCCTGGTGTTGGAAGAGA-3'